The following is an entry in ClinVar:

ClinVar aggregate classification (germline): Likely benign (1 of 4 stars; one submission).

Conditions:
KCNA2-related disorder. Also called: KCNA2-related condition.

Submission:

PreventionGenetics, part of Exact Sciences
Classification: Likely benign for KCNA2-related condition. Last evaluated: 2026-05-20. Review status: criteria provided, single submitter. Criteria: ACMG Guidelines, 2015. Collection method: clinical testing. Allele origin: germline.
Comment: This variant is classified as likely benign based on ACMG/AMP sequence variant interpretation guidelines (Richards et al. 2015 PMID: 25741868, with internal and published modifications).

NM_004974.4(KCNA2):c.567G>A (p.Arg189=)

Gene: KCNA2 (potassium voltage-gated channel subfamily A member 2; minus strand). Cytogenetic location: 1p13.3.
Variant type: single nucleotide variant.
Coding change: c.567G>A on transcript NM_004974.4 (MANE Select); coding-DNA position 567, G replaced by A.
Protein change: p.Arg189=; no amino-acid change (arginine 189 retained).
Molecular consequence: synonymous variant.
Genome position (GRCh38, 1-based): chr1:110,604,216, C>T on the plus strand (G>A on the coding strand, the complement: KCNA2 is on the minus strand). VCF-style: chr1-110604216-C-T. GRCh37 (hg19) VCF-style: chr1-111146838-C-T.
Other names: c.567G>A, p.Arg189= (NM_001204269.2).
Identifiers: ClinVar variation 4981347 (VCV004981347.1).
Genomic context (GRCh38, chr1:110,604,216, plus strand): 5'-GGTGCTGTTGGAATAGGTGTGGAAGGTCACCCCACTACCATGCATGTCTTCATTCTCATC[C>T]CGGAAGATGGGCAATGTTTCCAGACAGAAGCTGACAATTGAGATCAGAATCACCATGACA-3'
Protein context (NP_004965.1, residues 179-199): SFCLETLPIF[Arg189=]DENEDMHGSG